The following is an entry in ClinVar:

ClinVar aggregate classification (germline): Likely benign (1 of 4 stars; one submission).

Conditions:
SCAPER-related disorder. Also called: SCAPER-related condition.

gnomAD v4.1: 1 of 1,533,114 alleles (0.000065%); highest among the groups gnomAD compares: Non-Finnish European, 0.000088%; no homozygotes.

Submission:

PreventionGenetics, part of Exact Sciences
Classification: Likely benign for SCAPER-related condition. Last evaluated: 2026-09-02. Review status: criteria provided, single submitter. Criteria: ACMG Guidelines, 2015. Collection method: clinical testing. Allele origin: germline.
Comment: This variant is classified as likely benign based on ACMG/AMP sequence variant interpretation guidelines (Richards et al. 2015 PMID: 25741868, with internal and published modifications).

NM_020843.4(SCAPER):c.-10A>C

Gene: SCAPER (S-phase cyclin A associated protein in the ER; minus strand). Cytogenetic location: 15q24.3.
Variant type: single nucleotide variant.
Coding change: c.-10A>C on transcript NM_020843.4 (MANE Select); 10 bases upstream of the start codon, A replaced by C.
Molecular consequence: 5 prime UTR variant. On other transcripts: non-coding transcript variant (1).
Genome position (GRCh38, 1-based): chr15:76,883,827, T>G on the plus strand (A>C on the coding strand, the complement: SCAPER is on the minus strand). VCF-style: chr15-76883827-T-G. GRCh37 (hg19) VCF-style: chr15-77176168-T-G.
Other names: c.-10A>C (NM_001353009.2); c.-467A>C (NM_001353010.2); c.-530A>C (NM_001353011.2); c.-500A>C (NM_001353012.2).
Identifiers: ClinVar variation 4990960 (VCV004990960.1).